The following is an entry in ClinVar:

NM_004304.5(ALK):c.4040G>A (p.Arg1347Gln)

Gene: ALK (ALK receptor tyrosine kinase; minus strand). Cytogenetic location: 2p23.2.
Variant type: single nucleotide variant.
Coding change: c.4040G>A on transcript NM_004304.5 (MANE Select); coding-DNA position 4040, G replaced by A.
Protein change: p.Arg1347Gln; replaces arginine 1347 with glutamine.
Molecular consequence: missense variant.
Genome position (GRCh38, 1-based): chr2:29,197,575, C>T on the plus strand (G>A on the coding strand, the complement: ALK is on the minus strand). VCF-style: chr2-29197575-C-T. GRCh37 (hg19) VCF-style: chr2-29420441-C-T.
Other names: c.836G>A, p.Arg279Gln (NM_001353765.2); short protein forms R1347Q, R279Q.
Identifiers: ClinVar variation 470861 (VCV000470861.15), dbSNP rs573049471, ClinGen allele CA1593699.
Genomic context (GRCh38, chr2:29,197,575, plus strand): 5'-GCAGAAGTGTTCCTAAAAGAGTCATACACAGGCCCAGGGCAGTTCTTGGGTGGGTCCATC[C>T]GGCCTCCACTGGTGACAAACTCCAGAACTTCCTGGTTGCTTTTGCTGGGGTATGGCATAT-3'
Protein context (NP_004295.2, residues 1337-1357): EVLEFVTSGG[Arg1347Gln]MDPPKNCPGP

ClinVar aggregate classification (germline): Uncertain significance. Review status: criteria provided, multiple submitters, no conflicts (2 of 4 stars). 2 submissions from 2 submitters: Uncertain significance (2). Last evaluated 2025-08-11.

Conditions:
Hereditary cancer-predisposing syndrome. Also called: Hereditary neoplastic syndrome; Neoplastic Syndromes, Hereditary; Tumor predisposition; Hereditary Cancer Syndrome. Identifiers: Orphanet 140162, MedGen C0027672, MeSH D009386, MONDO:0015356.
Neuroblastoma, susceptibility to, 3. Also called: ALK-Related Neuroblastic Tumor Susceptibility. Identifiers: Orphanet 635, MedGen C2751681, MONDO:0013083, OMIM 613014.

Allele frequency attached by ClinVar (database versions not stated): TOPMed below 0.00001; gnomAD 0.00001; ExAC 0.00002; gnomAD exomes 0.00003 and 0.00005; 1000 Genomes Project 0.00040; 1000 Genomes Project 30x 0.00047.
gnomAD v4.1: 71 of 1,613,730 alleles (0.0044%); highest among the groups gnomAD compares: South Asian, 0.0066%; no homozygotes.

Submissions (2):

Labcorp Genetics (formerly Invitae), Labcorp
Classification: Uncertain significance for Neuroblastoma, susceptibility to, 3. Last evaluated: 2025-08-11. Review status: criteria provided, single submitter. Criteria: Invitae Variant Classification Sherloc (09022015). Collection method: clinical testing. Allele origin: germline.
Comment: This sequence change replaces arginine, which is basic and polar, with glutamine, which is neutral and polar, at codon 1347 of the ALK protein (p.Arg1347Gln). This variant is present in population databases (rs573049471, gnomAD 0.006%). This variant has not been reported in the literature in individuals affected with ALK-related conditions. ClinVar contains an entry for this variant (Variation ID: 470861). An algorithm developed to predict the effect of missense changes on protein structure and function (PolyPhen-2) suggests that this variant is likely to be disruptive. In summary, the available evidence is currently insufficient to determine the role of this variant in disease. Therefore, it has been classified as a Variant of Uncertain Significance.

Ambry Genetics
Classification: Uncertain significance for Hereditary cancer-predisposing syndrome. Last evaluated: 2025-07-11. Review status: criteria provided, single submitter. Criteria: Ambry Variant Classification Scheme 2023. Collection method: clinical testing. Allele origin: germline.
Comment: The p.R1347Q variant (also known as c.4040G>A), located in coding exon 27 of the ALK gene, results from a G to A substitution at nucleotide position 4040. The arginine at codon 1347 is replaced by glutamine, an amino acid with highly similar properties. This amino acid position is highly conserved in available vertebrate species. In addition, this alteration is predicted to be deleterious by in silico analysis. Since supporting evidence is limited at this time, the clinical significance of this alteration remains unclear.